The following is an entry in ClinVar:

ClinVar aggregate classification (germline): Uncertain significance (1 of 4 stars; one submission).

Conditions:
BAZ2B-related disorder. Also called: BAZ2B-related condition.

Submission:

PreventionGenetics, part of Exact Sciences
Classification: Uncertain significance for BAZ2B-related condition. Last evaluated: 2025-07-11. Review status: criteria provided, single submitter. Criteria: ACMG Guidelines, 2015. Collection method: clinical testing. Allele origin: germline.
Comment: The BAZ2B c.2803A>C variant is predicted to result in the amino acid substitution p.Lys935Gln. To our knowledge, this variant has not been reported in the literature or in a large population database (gnomAD), indicating this variant is rare. At this time, the clinical significance of this variant is uncertain due to the absence of conclusive functional and genetic evidence.

NM_013450.4(BAZ2B):c.2911A>C (p.Lys971Gln)

Gene: BAZ2B (bromodomain adjacent to zinc finger domain 2B; minus strand). Cytogenetic location: 2q24.2.
Variant type: single nucleotide variant.
Coding change: c.2911A>C on transcript NM_013450.4 (MANE Select); coding-DNA position 2911, A replaced by C.
Protein change: p.Lys971Gln; replaces lysine 971 with glutamine.
Molecular consequence: missense variant.
Genome position (GRCh38, 1-based): chr2:159,398,882, T>G on the plus strand (A>C on the coding strand, the complement: BAZ2B is on the minus strand). VCF-style: chr2-159398882-T-G. GRCh37 (hg19) VCF-style: chr2-160255393-T-G.
Other names: c.2803A>C, p.Lys935Gln (NM_001289975.1); c.2722A>C, p.Lys908Gln (NM_001329857.2); c.2809A>C, p.Lys937Gln (NM_001329858.2); short protein forms K908Q, K935Q, K937Q, K971Q.
Identifiers: ClinVar variation 4997484 (VCV004997484.1).
Genomic context (GRCh38, chr2:159,398,882, plus strand): 5'-AACTAACCTTTATTCGTTTCTCGGCCTCCAATAATTTGGCATTTGCCGCTTCTTCCTTCT[T>G]TTTCTTTTTAGCCTGTGCATGCAAAACAGGTCTCAAAGTCATGCAACAGCACCACTACAA-3'
Protein context (NP_038478.2, residues 961-981): AQQILEAKKK[Lys971Gln]KEEAANAKLL